The following is an entry in ClinVar:

ClinVar aggregate classification (germline): Likely benign (1 of 4 stars; one submission).

Allele frequency attached by ClinVar (database versions not stated): TOPMed 0.02025; 1000 Genomes Project 30x 0.02155; 1000 Genomes Project 0.02177; gnomAD 0.02190 and 0.02305.
gnomAD v4.1: 3,575 of 152,152 alleles (2.3%); highest among the groups gnomAD compares: South Asian, 7.2%; 70 homozygotes.

Submission:

GeneDx
Classification: Likely benign. Last evaluated: 2018-06-14. Review status: criteria provided, single submitter. Criteria: GeneDx Variant Classification (06012015). Collection method: clinical testing. Allele origin: germline. Affected: yes.
Comment: This variant is considered likely benign or benign based on one or more of the following criteria: it is a conservative change, it occurs at a poorly conserved position in the protein, it is predicted to be benign by multiple in silico algorithms, and/or has population frequency not consistent with disease.

NM_002474.3(MYH11):c.1401+206G>A

Gene: MYH11 (myosin heavy chain 11; minus strand). Cytogenetic location: 16p13.11.
Variant type: single nucleotide variant.
Coding change: c.1401+206G>A on transcript NM_002474.3 (MANE Select); 206 bases into the intron after coding-DNA position 1401, G replaced by A.
Molecular consequence: intron variant.
Genome position (GRCh38, 1-based): chr16:15,759,370, C>T on the plus strand (G>A on the coding strand, the complement: MYH11 is on the minus strand). VCF-style: chr16-15759370-C-T. GRCh37 (hg19) VCF-style: chr16-15853227-C-T.
Other names: c.1401+206G>A (NM_022844.3); c.1422+206G>A (NM_001040114.2, NM_001040113.2).
Identifiers: ClinVar variation 675274 (VCV000675274.1), dbSNP rs117471141, ClinGen allele CA14262659.